The following is an entry in ClinVar:

NM_000038.6(APC):c.7428G>A (p.Arg2476=)

Gene: APC (APC regulator of Wnt signaling pathway; plus strand). Cytogenetic location: 5q22.2.
Variant type: single nucleotide variant.
Coding change: c.7428G>A on transcript NM_000038.6 (MANE Select); coding-DNA position 7428, G replaced by A.
Protein change: p.Arg2476=; no amino-acid change (arginine 2476 retained).
Molecular consequence: synonymous variant. On other transcripts: non-coding transcript variant (2).
Genome position (GRCh38, 1-based): chr5:112,843,022, G>A. VCF-style: chr5-112843022-G-A. GRCh37 (hg19) VCF-style: chr5-112178719-G-A.
Other names: c.7428G>A, p.Arg2476= (NM_001127510.3, NM_001354895.2, NM_001407450.1); c.7374G>A, p.Arg2458= (NM_001127511.3); c.7482G>A, p.Arg2494= (NM_001354896.2, NM_001407447.1, NM_001407448.1 and 1 more transcripts); c.7458G>A, p.Arg2486= (NM_001354897.2); c.7353G>A, p.Arg2451= (NM_001354898.2); c.7344G>A, p.Arg2448= (NM_001354899.2); c.7305G>A, p.Arg2435= (NM_001354900.2); c.7251G>A, p.Arg2417= (NM_001354901.2, NM_001407453.1); and 12 more.
Identifiers: ClinVar variation 2844401 (VCV002844401.5), dbSNP rs2149986815, ClinGen allele CA446210638.

ClinVar aggregate classification (germline): Likely benign. Review status: criteria provided, multiple submitters, no conflicts (2 of 4 stars). 3 submissions from 3 submitters: Likely benign (3). Last evaluated 2024-11-12.

Conditions:
Hereditary cancer-predisposing syndrome. Also called: Neoplastic Syndromes, Hereditary; Hereditary Cancer Syndrome; Hereditary neoplastic syndrome; Tumor predisposition. Identifiers: Orphanet 140162, MedGen C0027672, MeSH D009386, MONDO:0015356.
Familial adenomatous polyposis 1 (FAP1). Also called: FAMILIAL ADENOMATOUS POLYPOSIS 1, ATTENUATED; POLYPOSIS, ADENOMATOUS INTESTINAL. Identifiers: MedGen C2713442, MONDO:0021056, OMIM 175100. Disease mechanism: loss of function.

Submissions (3):

Institute for Biomarker Research, Medical Diagnostic Laboratories, L.L.C.
Classification: Likely benign for Hereditary cancer-predisposing syndrome. Last evaluated: 2024-11-12. Review status: criteria provided, single submitter. Criteria: ACMG Guidelines, 2015. Collection method: clinical testing. Allele origin: germline.
Comment: The synonymous variant NM_000038.6(APC):c.7428G>A (p.Arg2476=) has been reported to ClinVar as Likely benign with a status of (2 stars) criteria provided, multiple submitters, no conflicts (Variation ID 2844401 as of 2024-10-03). The p.Arg2476= variant is novel (not in any individuals) in gnomAD. The p.Arg2476= variant is novel (not in any individuals) in 1kG. The p.Arg2476= variant is not predicted to disrupt an existing splice site. The p.Arg2476= variant results in a substitution of a base that is not predicted conserved by GERP++ and PhyloP. For these reasons, this variant has been classified as Likely Benig

Ambry Genetics
Classification: Likely benign for Hereditary cancer-predisposing syndrome. Last evaluated: 2024-05-25. Review status: criteria provided, single submitter. Criteria: Ambry Variant Classification Scheme 2023. Collection method: clinical testing. Allele origin: germline.

Labcorp Genetics (formerly Invitae), Labcorp
Classification: Likely benign for Familial adenomatous polyposis 1. Last evaluated: 2024-04-03. Review status: criteria provided, single submitter. Criteria: Invitae Variant Classification Sherloc (09022015). Collection method: clinical testing. Allele origin: germline.